The following is an entry in ClinVar:

NM_005219.5(DIAPH1):c.2054C>T (p.Ala685Val)

Gene: DIAPH1 (diaphanous related formin 1; minus strand). Cytogenetic location: 5q31.3.
Variant type: single nucleotide variant.
Coding change: c.2054C>T on transcript NM_005219.5 (MANE Select); coding-DNA position 2054, C replaced by T.
Protein change: p.Ala685Val; replaces alanine 685 with valine.
Molecular consequence: missense variant.
Genome position (GRCh38, 1-based): chr5:141,573,796, G>A on the plus strand (C>T on the coding strand, the complement: DIAPH1 is on the minus strand). VCF-style: chr5-141573796-G-A. GRCh37 (hg19) VCF-style: chr5-140953363-G-A.
Other names: c.2027C>T, p.Ala676Val (NM_001079812.3); c.2054C>T, p.Ala685Val (NM_001314007.2); short protein forms A676V, A685V.
Identifiers: ClinVar variation 3368890 (VCV003368890.1).

ClinVar aggregate classification (germline): Uncertain significance (1 of 4 stars; one submission).

Submission:

GeneDx
Classification: Uncertain significance. Last evaluated: 2024-02-09. Review status: criteria provided, single submitter. Criteria: GeneDx Variant Classification Process June 2021. Collection method: clinical testing. Allele origin: germline. Affected: yes.
Comment: Not observed at significant frequency in large population cohorts (gnomAD); In silico analysis supports that this missense variant does not alter protein structure/function; Has not been previously published as pathogenic or benign to our knowledge